The following is an entry in ClinVar:

ClinVar aggregate classification (germline): Likely benign (1 of 4 stars; one submission).

Conditions:
HOXA13-related disorder. Also called: HOXA13-related condition.

gnomAD v4.1: 39 of 1,455,418 alleles (0.0027%); highest among the groups gnomAD compares: Non-Finnish European, 0.0036%; no homozygotes.

Submission:

PreventionGenetics, part of Exact Sciences
Classification: Likely benign for HOXA13-related condition. Last evaluated: 2026-07-09. Review status: criteria provided, single submitter. Criteria: ACMG Guidelines, 2015. Collection method: clinical testing. Allele origin: germline.
Comment: This variant is classified as likely benign based on ACMG/AMP sequence variant interpretation guidelines (Richards et al. 2015 PMID: 25741868, with internal and published modifications).

NM_000522.5(HOXA13):c.-5G>A

Genes: HOXA13 (homeobox A13; minus strand), LOC107126288 (NUP98-HOXA13 recombination region; plus strand). Cytogenetic location: 7p15.2.
Variant type: single nucleotide variant.
Coding change: c.-5G>A on transcript NM_000522.5 (MANE Select); 5 bases upstream of the start codon, G replaced by A.
Molecular consequence: 5 prime UTR variant.
Genome position (GRCh38, 1-based): chr7:27,200,082, C>T on the plus strand (G>A on the coding strand, the complement: HOXA13 is on the minus strand). VCF-style: chr7-27200082-C-T. GRCh37 (hg19) VCF-style: chr7-27239701-C-T.
Identifiers: ClinVar variation 4994097 (VCV004994097.1).